The following is an entry in ClinVar:

ClinVar aggregate classification (germline): Uncertain significance. Review status: criteria provided, multiple submitters, no conflicts (2 of 4 stars). 2 submissions from 2 submitters: Uncertain significance (2). Last evaluated 2025-03-04.

Conditions:
Sitosterolemia (STSL). Also called: PHYTOSTEROLEMIA. Identifiers: Orphanet 2882, MedGen C0342907, MONDO:0008863.
Cardiovascular phenotype. Identifiers: MedGen CN230736.

gnomAD v4.1: 7 of 1,613,108 alleles (0.00043%); highest among the groups gnomAD compares: Admixed American, 0.012%; 1 homozygote.

Submissions (2):

Ambry Genetics
Classification: Uncertain significance for Cardiovascular phenotype. Last evaluated: 2025-03-04. Review status: criteria provided, single submitter. Criteria: Ambry Variant Classification Scheme 2023. Collection method: clinical testing. Allele origin: germline.
Comment: The p.A616T variant (also known as c.1846G>A), located in coding exon 13 of the ABCG5 gene, results from a G to A substitution at nucleotide position 1846. The alanine at codon 616 is replaced by threonine, an amino acid with similar properties. This amino acid position is conserved. In addition, the in silico prediction for this alteration is inconclusive. Based on the available evidence, the clinical significance of this variant remains unclear.

Labcorp Genetics (formerly Invitae), Labcorp
Classification: Uncertain significance for Sitosterolemia. Last evaluated: 2024-10-09. Review status: criteria provided, single submitter. Criteria: Invitae Variant Classification Sherloc (09022015). Collection method: clinical testing. Allele origin: germline.
Comment: This sequence change replaces alanine, which is neutral and non-polar, with threonine, which is neutral and polar, at codon 616 of the ABCG5 protein (p.Ala616Thr). This variant is present in population databases (no rsID available, gnomAD 0.006%), including at least one homozygous and/or hemizygous individual. This variant has not been reported in the literature in individuals affected with ABCG5-related conditions. An algorithm developed to predict the effect of missense changes on protein structure and function (PolyPhen-2) suggests that this variant is likely to be disruptive. Algorithms developed to predict the effect of sequence changes on RNA splicing suggest that this variant may create or strengthen a splice site. In summary, the available evidence is currently insufficient to determine the role of this variant in disease. Therefore, it has been classified as a Variant of Uncertain Significance.

NM_022436.3(ABCG5):c.1846G>A (p.Ala616Thr)

Genes: ABCG5 (ATP binding cassette subfamily G member 5; minus strand), DYNC2LI1 (dynein cytoplasmic 2 light intermediate chain 1; plus strand). Cytogenetic location: 2p21.
Variant type: single nucleotide variant.
Coding change: c.1846G>A on transcript NM_022436.3 (MANE Select); coding-DNA position 1846, G replaced by A.
Protein change: p.Ala616Thr; replaces alanine 616 with threonine.
Molecular consequence: missense variant. On other transcripts: intron variant (2).
Genome position (GRCh38, 1-based): chr2:43,813,226, C>T on the plus strand (G>A on the coding strand, the complement: ABCG5 is on the minus strand). VCF-style: chr2-43813226-C-T. GRCh37 (hg19) VCF-style: chr2-44040365-C-T.
Other names: c.*15+2702C>T (NM_001348913.2, NM_001348912.2); short protein forms A616T.
Identifiers: ClinVar variation 3721017 (VCV003721017.3).